The following is an entry in ClinVar:

NM_000094.4(COL7A1):c.107C>G (p.Ala36Gly)

Gene: COL7A1 (collagen type VII alpha 1 chain; minus strand). Cytogenetic location: 3p21.31.
Variant type: single nucleotide variant.
Coding change: c.107C>G on transcript NM_000094.4 (MANE Select); coding-DNA position 107, C replaced by G.
Protein change: p.Ala36Gly; replaces alanine 36 with glycine.
Molecular consequence: missense variant.
Genome position (GRCh38, 1-based): chr3:48,594,527, G>C on the plus strand (C>G on the coding strand, the complement: COL7A1 is on the minus strand). VCF-style: chr3-48594527-G-C. GRCh37 (hg19) VCF-style: chr3-48631960-G-C.
Other names: short protein forms A36G.
Identifiers: ClinVar variation 4801676 (VCV004801676.1).

ClinVar aggregate classification (germline): Uncertain significance (1 of 4 stars; one submission).

Submission:

Labcorp Genetics (formerly Invitae), Labcorp
Classification: Uncertain significance. Last evaluated: 2025-12-30. Review status: criteria provided, single submitter. Criteria: Invitae Variant Classification Sherloc (09022015). Collection method: clinical testing. Allele origin: germline.
Comment: This sequence change replaces alanine, which is neutral and non-polar, with glycine, which is neutral and non-polar, at codon 36 of the COL7A1 protein (p.Ala36Gly). This variant is not present in population databases (gnomAD no frequency). This missense change has been observed in individual(s) with epidermolysis bullosa (internal data). In at least one individual the data is consistent with being in trans (on the opposite chromosome) from a pathogenic variant. Invitae Evidence Modeling of protein sequence and biophysical properties (such as structural, functional, and spatial information, amino acid conservation, physicochemical variation, residue mobility, and thermodynamic stability) has been performed for this missense variant. However, the output from this modeling did not meet the statistical confidence thresholds required to predict the impact of this variant on COL7A1 protein function. In summary, the available evidence is currently insufficient to determine the role of this variant in disease. Therefore, it has been classified as a Variant of Uncertain Significance.